The following is an entry in ClinVar:

NM_014697.3(NOS1AP):c.1434G>C (p.Ser478=)

Gene: NOS1AP (nitric oxide synthase 1 adaptor protein; plus strand). Cytogenetic location: 1q23.3.
Variant type: single nucleotide variant.
Coding change: c.1434G>C on transcript NM_014697.3 (MANE Select); coding-DNA position 1434, G replaced by C.
Protein change: p.Ser478=; no amino-acid change (serine 478 retained).
Molecular consequence: synonymous variant.
Genome position (GRCh38, 1-based): chr1:162,367,380, G>C. VCF-style: chr1-162367380-G-C. GRCh37 (hg19) VCF-style: chr1-162337170-G-C.
Other names: c.549G>C, p.Ser183= (NM_001126060.2); c.1419G>C, p.Ser473= (NM_001164757.2).
Identifiers: ClinVar variation 496431 (VCV000496431.2), dbSNP rs115433966, ClinGen allele CA1215764.

ClinVar aggregate classification (germline): Benign/Likely benign. Review status: criteria provided, multiple submitters, no conflicts (2 of 4 stars). 2 submissions from 2 submitters: Benign (1); Likely benign (1). Last evaluated 2024-10-17.

Allele frequency attached by ClinVar (database versions not stated): 1000 Genomes Project 30x 0.00281; ESP Exome Variant Server 0.00292; 1000 Genomes Project 0.00300; TOPMed 0.00380; gnomAD 0.00395.
gnomAD v4.1: 1,010 of 1,608,352 alleles (0.063%); highest among the groups gnomAD compares: African/African-American, 1.2%; 3 homozygotes.

Submissions (2):

Blueprint Genetics
Classification: Likely benign. Last evaluated: 2024-10-17. Review status: criteria provided, single submitter. Criteria: ACMG Guidelines, 2015. Collection method: clinical testing. Allele origin: germline.

Women's Health and Genetics/Laboratory Corporation of America, LabCorp
Classification: Benign. Last evaluated: 2017-08-10. Review status: criteria provided, single submitter. Criteria: LabCorp Variant Classification Summary - May 2015. Collection method: clinical testing. Allele origin: germline.
Comment: Variant summary: The NOS1AP c.1434G>C (p.Ser478Ser) variant involves the alteration of a non-conserved nucleotide, resulting in a synonymous change. One in silico tool predicts a damaging outcome for this variant. 5/5 splice prediction tools predict no significant impact on normal splicing. ESE finder predicts that this variant may affect ESE sites. However, these predictions have yet to be confirmed by functional studies. This variant was found in 100/76736 control chromosomes, predominantly observed in the African subpopulation at a frequency of 0.014939 (96/6426). This frequency is about 1494 times the estimated maximal expected allele frequency of a pathogenic NOS1AP variant (0.00001), suggesting this is likely a benign polymorphism found primarily in the populations of African origin. Taken together, this variant is classified as benign.

Literature cited by the submitters: PubMed 25639344 (cited by Women's Health and Genetics/Laboratory Corporation of America, LabCorp).